The following is an entry in ClinVar:

ClinVar aggregate classification (germline): Uncertain significance (1 of 4 stars; one submission).

Conditions:
INPP5E-related disorder. Also called: INPP5E-related condition.

Submission:

PreventionGenetics, part of Exact Sciences
Classification: Uncertain significance for INPP5E-related condition. Last evaluated: 2025-04-13. Review status: criteria provided, single submitter. Criteria: ACMG Guidelines, 2015. Collection method: clinical testing. Allele origin: germline.
Comment: The INPP5E c.844G>T variant is predicted to result in the amino acid substitution p.Gly282Trp. To our knowledge, this variant has not been reported in the literature or in a large population database (gnomAD), indicating this variant is rare. At this time, the clinical significance of this variant is uncertain due to the absence of conclusive functional and genetic evidence.

NM_019892.6(INPP5E):c.844G>T (p.Gly282Trp)

Gene: INPP5E (inositol polyphosphate-5-phosphatase E; minus strand). Cytogenetic location: 9q34.3.
Variant type: single nucleotide variant.
Coding change: c.844G>T on transcript NM_019892.6 (MANE Select); coding-DNA position 844, G replaced by T.
Protein change: p.Gly282Trp; replaces glycine 282 with tryptophan.
Molecular consequence: missense variant.
Genome position (GRCh38, 1-based): chr9:136,434,832, C>A on the plus strand (G>T on the coding strand, the complement: INPP5E is on the minus strand). VCF-style: chr9-136434832-C-A. GRCh37 (hg19) VCF-style: chr9-139329284-C-A.
Other names: c.844G>T, p.Gly282Trp (NM_001318502.2); short protein forms G282W.
Identifiers: ClinVar variation 4987595 (VCV004987595.1).